The following is an entry in ClinVar:

ClinVar aggregate classification (germline): Uncertain significance (1 of 4 stars; one submission).

Conditions:
Inborn genetic diseases. Identifiers: MedGen C0950123, MeSH D030342.

Submission:

Ambry Genetics
Classification: Uncertain significance for Inborn genetic diseases. Last evaluated: 2026-02-15. Review status: criteria provided, single submitter. Criteria: Ambry Variant Classification Scheme 2023. Collection method: clinical testing. Allele origin: germline.
Comment: The p.L1546S variant (also known as c.4637T>C), located in coding exon 18 of the FANCM gene, results from a T to C substitution at nucleotide position 4637. The leucine at codon 1546 is replaced by serine, an amino acid with dissimilar properties. This amino acid position is conserved. In addition, this alteration is predicted to be tolerated by in silico analysis. Based on the available evidence, the clinical significance of this variant remains unclear.

NM_020937.4(FANCM):c.4637T>C (p.Leu1546Ser)

Gene: FANCM (FA complementation group M; plus strand). Cytogenetic location: 14q21.2.
Variant type: single nucleotide variant.
Coding change: c.4637T>C on transcript NM_020937.4 (MANE Select); coding-DNA position 4637, T replaced by C.
Protein change: p.Leu1546Ser; replaces leucine 1546 with serine.
Molecular consequence: missense variant.
Genome position (GRCh38, 1-based): chr14:45,185,338, T>C. VCF-style: chr14-45185338-T-C. GRCh37 (hg19) VCF-style: chr14-45654541-T-C.
Other names: c.4559T>C, p.Leu1520Ser (NM_001308133.2); short protein forms L1520S, L1546S.
Identifiers: ClinVar variation 4844559 (VCV004844559.1).